The following is an entry in ClinVar:

ClinVar aggregate classification (germline): Uncertain significance (1 of 4 stars; one submission).

Conditions:
Hereditary cancer-predisposing syndrome. Also called: Hereditary Cancer Syndrome; Tumor predisposition; Hereditary neoplastic syndrome; Neoplastic Syndromes, Hereditary. Identifiers: Orphanet 140162, MedGen C0027672, MeSH D009386, MONDO:0015356.

Submission:

Ambry Genetics
Classification: Uncertain significance for Hereditary cancer-predisposing syndrome. Last evaluated: 2024-04-11. Review status: criteria provided, single submitter. Criteria: Ambry Variant Classification Scheme 2023. Collection method: clinical testing. Allele origin: germline.
Comment: The p.L292I variant (also known as c.874C>A), located in coding exon 9 of the BRCA1 gene, results from a C to A substitution at nucleotide position 874. The leucine at codon 292 is replaced by isoleucine, an amino acid with highly similar properties. This amino acid position is well conserved in available vertebrate species. In addition, the in silico prediction for this alteration is inconclusive. Based on the available evidence, the clinical significance of this variant remains unclear.

NM_007294.4(BRCA1):c.874C>A (p.Leu292Ile)

Gene: BRCA1 (BRCA1 DNA repair associated; minus strand). Cytogenetic location: 17q21.31.
Variant type: single nucleotide variant.
Coding change: c.874C>A on transcript NM_007294.4 (MANE Select); coding-DNA position 874, C replaced by A.
Protein change: p.Leu292Ile; replaces leucine 292 with isoleucine.
Molecular consequence: missense variant. On other transcripts: intron variant (137), 5 prime UTR variant (2).
Genome position (GRCh38, 1-based): chr17:43,094,657, G>T on the plus strand (C>A on the coding strand, the complement: BRCA1 is on the minus strand). VCF-style: chr17-43094657-G-T. GRCh37 (hg19) VCF-style: chr17-41246674-G-T.
Other names: c.709+87C>A (NM_001408415.1, NM_001408409.1, NM_001408414.1 and 2 more transcripts); c.577+87C>A (NM_001408483.1, NM_001408489.1, NM_001408479.1 and 9 more transcripts); c.787+87C>A (NM_001407982.1, NM_001407970.1, NM_001408403.1 and 19 more transcripts); c.664+87C>A (NM_001408442.1, NM_001408426.1, NM_001408427.1 and 12 more transcripts); c.661C>A, p.Leu221Ile (NM_001407571.1, NM_001407853.1, NM_001407894.1 and 9 more transcripts); c.874C>A, p.Leu292Ile (NM_001407581.1, NM_001407582.1, NM_001407583.1 and 30 more transcripts); c.871C>A, p.Leu291Ile (NM_001407587.1, NM_001407590.1, NM_001407591.1 and 22 more transcripts); c.865C>A, p.Leu289Ile (NM_001407646.1, NM_001407647.1); and 40 more; short protein forms L164I, L221I, L266I, L291I, L124I, L165I, L181I, L203I.
Identifiers: ClinVar variation 3261457 (VCV003261457.1).
Genomic context (GRCh38, chr17:43,094,657, plus strand): 5'-CAGGCTGTTTGCTTTTATTACAGAATTCAGCCTTTTCTACATTCATTCTGTCTTTAGTGA[G>T]TAATAAACTGCTGTTCTCATGCTGTAATGAGCTGGCATGAGTATTTGTGCCACATGGCTC-3'
Protein context (NP_009225.1, residues 282-302): SLQHENSSLL[Leu292Ile]TKDRMNVEKA